The following is an entry in ClinVar:

ClinVar aggregate classification (germline): Uncertain significance. Review status: criteria provided, multiple submitters, no conflicts (2 of 4 stars). 2 submissions from 2 submitters: Uncertain significance (2). Last evaluated 2026-04-10.

Conditions:
Lymphatic malformation 6 (LMPHM6). Also called: PIEZO1-related generalized lymphatic dysplasia with non-immune hydrops fetalis; GENERALIZED LYMPHATIC DYSPLASIA OF FOTIOU; Lymphedema, hereditary, III. Identifiers: Orphanet 568062, MedGen C4225184, MONDO:0014797, OMIM 616843.
Dehydrated hereditary stomatocytosis with or without pseudohyperkalemia and/or perinatal edema (DHS1). Also called: Dehydrated hereditary stomatocytosis 1 with or without pseudohyperkalemia and/or perinatal edema; PSEUDOHYPERKALEMIA EDINBURGH; DEHYDRATED HEREDITARY STOMATOCYTOSIS AND PSEUDOHYPERKALEMIA; DEHYDRATED HEREDITARY STOMATOCYTOSIS WITH PSEUDOHYPERKALEMIA AND PERINATAL EDEMA; Pseudohyperkalemia, familial, 1, due to red cell leak. Identifiers: Orphanet 3202, MedGen C4551512, MONDO:0008689, OMIM 194380.

Allele frequency attached by ClinVar (database versions not stated): TOPMed below 0.00001; gnomAD 0.00001.
gnomAD v4.1: 3 of 1,550,230 alleles (0.00019%); highest among the groups gnomAD compares: Non-Finnish European, 0.00026%; no homozygotes.

Submissions (2):

Clinical Genomics Laboratory, Washington University in St. Louis
Classification: Uncertain significance for Lymphatic malformation 6; Dehydrated hereditary stomatocytosis with or without pseudohyperkalemia and/or perinatal edema. Last evaluated: 2026-04-10. Review status: criteria provided, single submitter. Criteria: ACMG Guidelines, 2015. Collection method: clinical testing. Allele origin: germline.
Comment: A PIEZO1 c.1960G>C (p.Ala654Pro) variant was identified at a near-heterozygous allelic fraction of 47.7%, a frequency which may be consistent with it being of germline origin. This variant, to our knowledge, has not been reported in the medical literature. It has been reported in the ClinVar database as a germline variant of uncertain significance by one submitter (Variation ID: 2575322). It is only observed on 3/1,550,230 alleles in the general population (gnomAD v4.1.1), indicating it is not a common variant. Computational predictors suggest that the variant does not impact PIEZO1 function. Due to limited information, and based on ACMG/AMP guidelines for variant interpretation (Richards S et al., PMID: 25741868), the clinical significance of this variant is uncertain at this time.

Center for Genomic Medicine, Rigshospitalet, Copenhagen University Hospital
Classification: Uncertain significance. Last evaluated: 2025-03-04. Review status: criteria provided, single submitter. Criteria: ACMG Guidelines, 2015. Collection method: clinical testing. Allele origin: germline.

Literature cited by the submitters: uncertain (cited by Clinical Genomics Laboratory, Washington University in St. Louis).

NM_001142864.4(PIEZO1):c.1960G>C (p.Ala654Pro)

Genes: HSALR1 (HSP90AB1 associated lncRNA 1; plus strand), PIEZO1 (piezo type mechanosensitive ion channel component 1 (Er blood group); minus strand). Cytogenetic location: 16q24.3.
Variant type: single nucleotide variant.
Coding change: c.1960G>C on transcript NM_001142864.4 (MANE Select); coding-DNA position 1960, G replaced by C.
Protein change: p.Ala654Pro; replaces alanine 654 with proline.
Molecular consequence: missense variant.
Genome position (GRCh38, 1-based): chr16:88,734,687, C>G on the plus strand (G>C on the coding strand, the complement: PIEZO1 is on the minus strand). VCF-style: chr16-88734687-C-G. GRCh37 (hg19) VCF-style: chr16-88801095-C-G.
Other names: c.505G>C, p.Ala169Pro (NM_014745.1); short protein forms A169P, A654P.
Identifiers: ClinVar variation 2575322 (VCV002575322.3), dbSNP rs1428058788, ClinGen allele CA397114585.